The following is an entry in ClinVar:

ClinVar aggregate classification (germline): Uncertain significance (1 of 4 stars; one submission).

Conditions:
Epileptic encephalopathy. Identifiers: MedGen C0543888, HP:0200134.

Submission:

Labcorp Genetics (formerly Invitae), Labcorp
Classification: Uncertain significance for Epileptic encephalopathy. Last evaluated: 2025-08-10. Review status: criteria provided, single submitter. Criteria: Invitae Variant Classification Sherloc (09022015). Collection method: clinical testing. Allele origin: germline.
Comment: This variant, c.89_91dup, results in the insertion of 1 amino acid(s) of the GABBR2 protein (p.Pro30dup), but otherwise preserves the integrity of the reading frame. This variant is present in population databases (no rsID available, gnomAD 0.01%). This variant has not been reported in the literature in individuals affected with GABBR2-related conditions. ClinVar contains an entry for this variant (Variation ID: 2983330). In summary, the available evidence is currently insufficient to determine the role of this variant in disease. Therefore, it has been classified as a Variant of Uncertain Significance.

NM_005458.8(GABBR2):c.89_91dup (p.Pro30_Leu31insPro)

Gene: GABBR2 (gamma-aminobutyric acid type B receptor subunit 2; minus strand). Cytogenetic location: 9q22.33.
Variant type: Duplication.
Coding change: c.89_91dup on transcript NM_005458.8 (MANE Select); coding-DNA positions 89 to 91, 3 bases duplicated (CGC; older notation c.89_91dupCGC).
Protein change: p.Pro30_Leu31insPro.
Molecular consequence: inframe insertion.
Genome position (GRCh38, 1-based): chr9:98,708,647-98,708,649, GCG duplicated on the plus strand (CGC on the coding strand, the reverse complement: GABBR2 is on the minus strand); duplicating any 3 consecutive bases within chr9:98,708,647-98,708,651 gives the same sequence; the c. name uses the placement nearest the transcript's 3' end. VCF-style (leftmost placement, unchanged base first): chr9-98708646-A-AGCG. GRCh37 (hg19) VCF-style: chr9-101470928-A-AGCG.
Identifiers: ClinVar variation 2983330 (VCV002983330.3), dbSNP rs943520108, ClinGen allele CA196789527.
Genomic context (GRCh38, chr9:98,708,646, plus strand): 5'-GGCGGCGGCCGGGGGGCGCCCCGCGCCCAGCCCCAGGCCCCGGGCGCCAGAGGCAGCAGC[A>AGCG]GCGGCAGCAGCAGTAGCAGTAGCAGGCGCGCGGGCGGCGGTGGCGGCGGCGGCGGCGGCC-3'